The following is an entry in ClinVar:

NM_001376.5(DYNC1H1):c.7212G>T (p.Glu2404Asp)

Gene: DYNC1H1 (dynein cytoplasmic 1 heavy chain 1; plus strand). Cytogenetic location: 14q32.31.
Variant type: single nucleotide variant.
Coding change: c.7212G>T on transcript NM_001376.5 (MANE Select); coding-DNA position 7212, G replaced by T.
Protein change: p.Glu2404Asp; replaces glutamic acid 2404 with aspartic acid.
Molecular consequence: missense variant.
Genome position (GRCh38, 1-based): chr14:102,015,302, G>T. VCF-style: chr14-102015302-G-T. GRCh37 (hg19) VCF-style: chr14-102481639-G-T.
Other names: short protein forms E2404D.
Identifiers: ClinVar variation 2185019 (VCV002185019.4), dbSNP rs779649338, ClinGen allele CA391060446.

ClinVar aggregate classification (germline): Uncertain significance (1 of 4 stars; one submission).

Conditions:
Charcot-Marie-Tooth disease axonal type 2O. Also called: CHARCOT-MARIE-TOOTH NEUROPATHY, AXONAL, TYPE 2O; CHARCOT-MARIE-TOOTH DISEASE, AXONAL, AUTOSOMAL DOMINANT, TYPE 2O; Charcot-Marie-Tooth Neuropathy Type 2O; Charcot-Marie-Tooth disease, axonal, type 20. Identifiers: Orphanet 284232, MedGen C3280220, MONDO:0013644, OMIM 614228.

Submission:

Labcorp Genetics (formerly Invitae), Labcorp
Classification: Uncertain significance for Charcot-Marie-Tooth disease axonal type 2O. Last evaluated: 2024-12-24. Review status: criteria provided, single submitter. Criteria: Invitae Variant Classification Sherloc (09022015). Collection method: clinical testing. Allele origin: germline.
Comment: This sequence change replaces glutamic acid, which is acidic and polar, with aspartic acid, which is acidic and polar, at codon 2404 of the DYNC1H1 protein (p.Glu2404Asp). This variant is not present in population databases (gnomAD no frequency). This variant has not been reported in the literature in individuals affected with DYNC1H1-related conditions. ClinVar contains an entry for this variant (Variation ID: 2185019). Invitae Evidence Modeling of protein sequence and biophysical properties (such as structural, functional, and spatial information, amino acid conservation, physicochemical variation, residue mobility, and thermodynamic stability) indicates that this missense variant is not expected to disrupt DYNC1H1 protein function with a negative predictive value of 95%. In summary, the available evidence is currently insufficient to determine the role of this variant in disease. Therefore, it has been classified as a Variant of Uncertain Significance.